The following is an entry in ClinVar:

NM_022356.4(P3H1):c.-57G>T

Gene: P3H1 (prolyl 3-hydroxylase 1; minus strand). Cytogenetic location: 1p34.2.
Variant type: single nucleotide variant.
Coding change: c.-57G>T on transcript NM_022356.4 (MANE Select); 57 bases upstream of the start codon, G replaced by T.
Molecular consequence: 5 prime UTR variant.
Genome position (GRCh38, 1-based): chr1:42,767,028, C>A on the plus strand (G>T on the coding strand, the complement: P3H1 is on the minus strand). VCF-style: chr1-42767028-C-A. GRCh37 (hg19) VCF-style: chr1-43232699-C-A.
Other names: c.-57G>T (NM_001146289.2, NM_001243246.2).
Identifiers: ClinVar variation 875635 (VCV000875635.4), dbSNP rs190782130, ClinGen allele CA21251915.

ClinVar aggregate classification (germline): Conflicting classifications of pathogenicity. Review status: criteria provided, conflicting classifications (1 of 4 stars). 2 submissions from 1 submitter: Uncertain significance (1); Benign (1). Last evaluated 2018-01-13.

Conditions:
Osteogenesis imperfecta type 8 (OI8). Identifiers: MedGen C1970458, MONDO:0012581, OMIM 610915.
Osteogenesis Imperfecta, Recessive.

Allele frequency attached by ClinVar (database versions not stated): gnomAD 0.00089 and 0.00136; gnomAD exomes 0.00120; TOPMed 0.00201; 1000 Genomes Project 30x 0.00812; 1000 Genomes Project 0.00879.
gnomAD v4.1: 1,926 of 1,575,148 alleles (0.12%); highest among the groups gnomAD compares: East Asian, 3.5%; 37 homozygotes.

Submissions (2):

Illumina Laboratory Services, Illumina
Classification: Benign for Osteogenesis imperfecta type 8. Last evaluated: 2018-01-13. Review status: criteria provided, single submitter. Criteria: ICSL Variant Classification Criteria 13 December 2019. Collection method: clinical testing. Allele origin: germline.
Comment: This variant was observed in the ICSL laboratory as part of a predisposition screen in an ostensibly healthy population. It had not been previously curated by ICSL or reported in the Human Gene Mutation Database (HGMD: prior to June 1st, 2018), and was therefore a candidate for classification through an automated scoring system. Utilizing variant allele frequency, disease prevalence and penetrance estimates, and inheritance mode, an automated score was calculated to assess if this variant is too frequent to cause the disease. Based on the score and internal cut-off values, a variant classified as benign is not then subjected to further curation. The score for this variant resulted in a classification of benign for this disease.

Illumina Laboratory Services, Illumina
Classification: Uncertain significance for Osteogenesis Imperfecta, Recessive. Last evaluated: 2017-04-27. Review status: criteria provided, single submitter. Criteria: ICSL Variant Classification Criteria 13 December 2019. Collection method: clinical testing. Allele origin: germline.